The following is an entry in ClinVar:

NM_015267.4(CUX2):c.3203G>A (p.Arg1068Gln)

Gene: CUX2 (cut like homeobox 2; plus strand). Cytogenetic location: 12q24.12.
Variant type: single nucleotide variant.
Coding change: c.3203G>A on transcript NM_015267.4 (MANE Select); coding-DNA position 3203, G replaced by A.
Protein change: p.Arg1068Gln; replaces arginine 1068 with glutamine.
Molecular consequence: missense variant.
Genome position (GRCh38, 1-based): chr12:111,338,292, G>A. VCF-style: chr12-111338292-G-A. GRCh37 (hg19) VCF-style: chr12-111776096-G-A.
Other names: c.3017G>A, p.Arg1006Gln (NM_001370598.1); short protein forms R1006Q, R1068Q.
Identifiers: ClinVar variation 3026854 (VCV003026854.22), dbSNP rs1592985329, ClinGen allele CA386717192.

ClinVar aggregate classification (germline): Uncertain significance (1 of 4 stars; one submission).

Allele frequency attached by ClinVar (database versions not stated): gnomAD exomes below 0.00001.
gnomAD v4.1: 4 of 1,608,116 alleles (0.00025%); highest among the groups gnomAD compares: African/African-American, 0.0013%; no homozygotes.

Submission:

CeGaT Center for Human Genetics Tuebingen
Classification: Uncertain significance. Last evaluated: 2024-01-01. Review status: criteria provided, single submitter. Criteria: CeGaT Center For Human Genetics Tuebingen Variant Classification Criteria Version 2. Collection method: clinical testing. Allele origin: germline. Affected: yes. Observed: 1 variant allele.
Comment: CUX2: PM2